The following is an entry in ClinVar:

ClinVar aggregate classification (germline): Uncertain significance (1 of 4 stars; one submission).

Conditions:
TTN-related disorder. Also called: TTN-related disorders; TTN-related condition; TTN-related disease.

gnomAD v4.1: 6 of 1,604,266 alleles (0.00037%); highest among the groups gnomAD compares: Non-Finnish European, 0.00051%; no homozygotes.

Submission:

PreventionGenetics, part of Exact Sciences
Classification: Uncertain significance for TTN-related condition. Last evaluated: 2026-04-18. Review status: criteria provided, single submitter. Criteria: ACMG Guidelines, 2015. Collection method: clinical testing. Allele origin: germline.
Comment: The TTN c.56987A>G variant is predicted to result in the amino acid substitution p.Lys18996Arg. To our knowledge, this variant has not been reported in the literature or in a large population database (gnomAD), indicating this variant is rare. At this time, the clinical significance of this variant is uncertain due to the absence of conclusive functional and genetic evidence.

NM_001267550.2(TTN):c.56987A>G (p.Lys18996Arg)

Genes: TTN (titin; minus strand), TTN-AS1 (TTN antisense RNA 1; plus strand). Cytogenetic location: 2q31.2.
Variant type: single nucleotide variant.
Coding change: c.56987A>G on transcript NM_001267550.2 (MANE Select); coding-DNA position 56987, A replaced by G.
Protein change: p.Lys18996Arg; replaces lysine 18996 with arginine.
Molecular consequence: missense variant. On other transcripts: non-coding transcript variant (1).
Genome position (GRCh38, 1-based): chr2:178,598,630, T>C on the plus strand (A>G on the coding strand, the complement: TTN is on the minus strand). VCF-style: chr2-178598630-T-C. GRCh37 (hg19) VCF-style: chr2-179463357-T-C.
Other names: c.52064A>G, p.Lys17355Arg (NM_001256850.1); c.29792A>G, p.Lys9931Arg (NM_003319.4); c.49283A>G, p.Lys16428Arg (NM_133378.4); c.30167A>G, p.Lys10056Arg (NM_133432.3); c.30368A>G, p.Lys10123Arg (NM_133437.4); short protein forms K16428R, K9931R, K10056R, K17355R, K10123R, K18996R.
Identifiers: ClinVar variation 4986800 (VCV004986800.1).
Genomic context (GRCh38, chr2:178,598,630, plus strand): 5'-CCATCTTTTAGTGGGGGAGACCACTCCAGATCTGCAGATGATTTAGTCCAATCTGTCACT[T>C]TGGGAAATGGAGGACCAGGAGGGGCTGCAAAGAGCCAGTATACGTTAGTATTCTTGACTT-3'
Protein context (NP_001254479.2, residues 18986-19006): PIAPPGPPFP[Lys18996Arg]VTDWTKSSAD